The following is an entry in ClinVar:

NM_000384.3(APOB):c.7772A>G (p.Lys2591Arg)

Gene: APOB (apolipoprotein B; minus strand). Cytogenetic location: 2p24.1.
Variant type: single nucleotide variant.
Coding change: c.7772A>G on transcript NM_000384.3 (MANE Select); coding-DNA position 7772, A replaced by G.
Protein change: p.Lys2591Arg; replaces lysine 2591 with arginine.
Molecular consequence: missense variant.
Genome position (GRCh38, 1-based): chr2:21,009,096, T>C on the plus strand (A>G on the coding strand, the complement: APOB is on the minus strand). VCF-style: chr2-21009096-T-C. GRCh37 (hg19) VCF-style: chr2-21231968-T-C.
Other names: short protein forms K2591R.
Identifiers: ClinVar variation 2565885 (VCV002565885.3), dbSNP rs1233856948, ClinGen allele CA345996149.

ClinVar aggregate classification (germline): Uncertain significance. Review status: criteria provided, multiple submitters, no conflicts (2 of 4 stars). 2 submissions from 2 submitters: Uncertain significance (2). Last evaluated 2025-06-10.

Conditions:
Cardiovascular phenotype. Identifiers: MedGen CN230736.
Familial hypobetalipoproteinemia 1. Also called: APOB-Related Familial Hypobetalipoproteinemia; Hypobetalipoproteinemia, normotriglyceridemic; Acanthocytosis with hypobetalipoproteinemia. Identifiers: MedGen C4551990, MONDO:0014252, OMIM 615558.
Hypercholesterolemia, autosomal dominant, type B (FHCL2). Also called: APOLIPOPROTEIN B-100, FAMILIAL DEFECTIVE; APOLIPOPROTEIN B-100, FAMILIAL LIGAND-DEFECTIVE; HYPERCHOLESTEROLEMIA, FAMILIAL, DUE TO LIGAND-DEFECTIVE APOLIPOPROTEIN B; Familial Hypercholesterolemia Type B; Familial hypercholesterolemia 2; APOB-Related Familial Hypercholesterolemia, Autosomal Dominant. Identifiers: MedGen C1704417, MONDO:0007751, OMIM 144010.

Allele frequency attached by ClinVar (database versions not stated): TOPMed below 0.00001; gnomAD 0.00001.
gnomAD v4.1: 1 of 1,613,962 alleles (0.000062%); highest among the groups gnomAD compares: African/African-American, 0.0013%; no homozygotes.

Submissions (2):

Labcorp Genetics (formerly Invitae), Labcorp
Classification: Uncertain significance for Familial hypobetalipoproteinemia 1; Hypercholesterolemia, autosomal dominant, type B. Last evaluated: 2025-06-10. Review status: criteria provided, single submitter. Criteria: Invitae Variant Classification Sherloc (09022015). Collection method: clinical testing. Allele origin: germline.
Comment: This sequence change replaces lysine, which is basic and polar, with arginine, which is basic and polar, at codon 2591 of the APOB protein (p.Lys2591Arg). This variant is not present in population databases (gnomAD no frequency). This variant has not been reported in the literature in individuals affected with APOB-related conditions. ClinVar contains an entry for this variant (Variation ID: 2565885). Invitae Evidence Modeling of protein sequence and biophysical properties (such as structural, functional, and spatial information, amino acid conservation, physicochemical variation, residue mobility, and thermodynamic stability) indicates that this missense variant is not expected to disrupt APOB protein function with a negative predictive value of 95%. In summary, the available evidence is currently insufficient to determine the role of this variant in disease. Therefore, it has been classified as a Variant of Uncertain Significance.

Ambry Genetics
Classification: Uncertain significance for Cardiovascular phenotype. Last evaluated: 2023-06-12. Review status: criteria provided, single submitter. Criteria: Ambry Variant Classification Scheme 2023. Collection method: clinical testing. Allele origin: germline.
Comment: The p.K2591R variant (also known as c.7772A>G), located in coding exon 26 of the APOB gene, results from an A to G substitution at nucleotide position 7772. The lysine at codon 2591 is replaced by arginine, an amino acid with highly similar properties. This amino acid position is conserved. In addition, this alteration is predicted to be tolerated by in silico analysis. Since supporting evidence is limited at this time, the clinical significance of this alteration remains unclear.